The following is an entry in ClinVar:

ClinVar aggregate classification (germline): Uncertain significance. Review status: criteria provided, multiple submitters, no conflicts (2 of 4 stars). 2 submissions from 2 submitters: Uncertain significance (2). Last evaluated 2026-01-19.

Conditions:
Polycystic kidney disease, adult type (PKD1). Also called: Polycystic Kidney Disease 1, Autosomal Dominant; Polycystic kidney disease 1; Polycystic kidney disease 1, severe; Polycystic Kidney, Autosomal Dominant; POLYCYSTIC KIDNEY DISEASE 1 WITH OR WITHOUT POLYCYSTIC LIVER DISEASE; POLYCYSTIC KIDNEY DISEASE, ADULT, TYPE I. Identifiers: MedGen C3149841, MONDO:0008263, OMIM 173900.

Submissions (2):

3billion
Classification: Uncertain significance for Polycystic kidney disease, adult type. Last evaluated: 2026-01-19. Review status: criteria provided, single submitter. Criteria: ACMG Guidelines, 2015. Collection method: clinical testing. Allele origin: germline. Affected: yes.
Comment: The variant is not observed in the gnomAD v4.1.0 dataset. Predicted Consequence/Location: Inframe deletion located in a nonrepeat region: predicted to change the length of the protein and disrupt normal protein function. The variant has been reported as of uncertain significance (ClinVar ID: VCV001805310). Therefore, this variant is classified as VUS according to the recommendation of ACMG/AMP guideline.

Victorian Clinical Genetics Services, Murdoch Childrens Research Institute
Classification: Uncertain significance for Polycystic kidney disease, adult type. Last evaluated: 2020-05-21. Review status: criteria provided, single submitter. Criteria: ACMG Guidelines, 2015. Collection method: clinical testing. Allele origin: germline. Inheritance: Autosomal dominant inheritance.
Comment: Based on the classification scheme VCGS_Germline_v1.1.1, this variant is classified as 3A-VUS. Following criteria are met: 0102 - Loss-of-function is a known mechanism of disease for this gene. (N) 0107 - This gene is known to be associated with autosomal dominant disease. (N) 0213 - In-frame deletion in a non-repetitive region that has high conservation (exon 28). (P) 0251 - Variant is heterozygous. (N) 0301 - Variant is absent from gnomAD. (P) 0600 - Variant is located in an annotated domain or motif (PLAT polycystin; NCBI, Decipher, PDB). (N) 0705 - No comparable variants have previous evidence for pathogenicity. (N) 0807 - Variant has not previously been reported in a clinical context. (N) 0905 - No segregation evidence has been identified for this variant. (N) 1007 - No published functional evidence has been identified for this variant. (N) 1102 - Strong phenotype match. (P) 1208 - Inheritance information for this variant is not currently available. (N) Legend: (P) - Pathogenic, (N) - Neutral, (B) - Benign

NM_001009944.3(PKD1):c.9602_9607del (p.Ile3201_Val3202del)

Gene: PKD1 (polycystin 1, transient receptor potential channel interacting; minus strand). Cytogenetic location: 16p13.3.
Variant type: Deletion.
Coding change: c.9602_9607del on transcript NM_001009944.3 (MANE Select); coding-DNA positions 9602 to 9607, 6 bases deleted (TCGTCA; older notation c.9602_9607delTCGTCA).
Protein change: p.Ile3201_Val3202del.
Molecular consequence: inframe deletion. On other transcripts: inframe indel (1).
Genome position (GRCh38, 1-based): chr16:2,100,271-2,100,276, TGACGA deleted on the plus strand (TCGTCA on the coding strand, the reverse complement: PKD1 is on the minus strand); deleting any 6 consecutive bases within chr16:2,100,271-2,100,281 gives the same sequence; the c. name uses the placement nearest the transcript's 3' end. VCF-style (leftmost placement, unchanged base first): chr16-2100270-CTGACGA-C. GRCh37 (hg19) VCF-style: chr16-2150271-CTGACGA-C.
Other names: c.9602_9607delTCGTCA (NM_001009944.2); c.9602_9607del, p.Ile3201_Val3202del (NM_000296.4).
Identifiers: ClinVar variation 1805310 (VCV001805310.2), dbSNP rs2544716082, ClinGen allele CA923726146.